The following is an entry in ClinVar:

NM_003738.5(PTCH2):c.3269C>T (p.Ala1090Val)

Gene: PTCH2 (patched 2; minus strand). Cytogenetic location: 1p34.1.
Variant type: single nucleotide variant.
Coding change: c.3269C>T on transcript NM_003738.5 (MANE Select); coding-DNA position 3269, C replaced by T.
Protein change: p.Ala1090Val; replaces alanine 1090 with valine.
Molecular consequence: missense variant.
Genome position (GRCh38, 1-based): chr1:44,823,157, G>A on the plus strand (C>T on the coding strand, the complement: PTCH2 is on the minus strand). VCF-style: chr1-44823157-G-A. GRCh37 (hg19) VCF-style: chr1-45288829-G-A.
Other names: c.3269C>T, p.Ala1090Val (NM_001166292.2); short protein forms A1090V.
Identifiers: ClinVar variation 453937 (VCV000453937.12), dbSNP rs202184038, ClinGen allele CA822742.
Genomic context (GRCh38, chr1:44,823,157, plus strand): 5'-AGCACAGGCAGCAGCACGAGTCCATGGAGGAGGCCCAGGAGCGTGAGCACTGTCAGCGCC[G>A]CAAAGAAGTACCTAGGGGTAGGGTGTGGGGGGAGTCAGCCCAGGCCTGTCCTGAGCCCTG-3'
Protein context (NP_003729.3, residues 1080-1100): HFDFIVRYFF[Ala1090Val]ALTVLTLLGL

ClinVar aggregate classification (germline): Uncertain significance. Review status: criteria provided, multiple submitters, no conflicts (2 of 4 stars). 3 submissions from 3 submitters: Uncertain significance (3). Last evaluated 2025-12-23.

Conditions:
Basal cell carcinoma, susceptibility to, 1. Also called: BCC1. Identifiers: MedGen C2751544, MONDO:0011556, OMIM 605462.
Gorlin syndrome. Also called: Basal cell nevus syndrome; Nevoid Basal Cell Carcinoma Syndrome. Identifiers: Orphanet 377, MedGen C0004779, MONDO:0007187.
Basal cell nevus syndrome 1 (BCNS1). Also called: GORLIN-GOLTZ SYNDROME; MULTIPLE BASAL CELL NEVI, ODONTOGENIC KERATOCYSTS, AND SKELETAL ANOMALIES. Identifiers: MedGen CN376810, MONDO:0958174, OMIM 109400.

Allele frequency attached by ClinVar (database versions not stated): TOPMed 0.00013; gnomAD 0.00015 and 0.00016; ExAC 0.00016; gnomAD exomes 0.00016; 1000 Genomes Project 0.00020; 1000 Genomes Project 30x 0.00031.
gnomAD v4.1: 340 of 1,614,070 alleles (0.021%); highest among the groups gnomAD compares: Non-Finnish European, 0.027%; no homozygotes.

Submissions (3):

Labcorp Genetics (formerly Invitae), Labcorp
Classification: Uncertain significance for Gorlin syndrome. Last evaluated: 2025-12-23. Review status: criteria provided, single submitter. Criteria: Invitae Variant Classification Sherloc (09022015). Collection method: clinical testing. Allele origin: germline.
Comment: This sequence change replaces alanine, which is neutral and non-polar, with valine, which is neutral and non-polar, at codon 1090 of the PTCH2 protein (p.Ala1090Val). This variant is present in population databases (rs202184038, gnomAD 0.03%). This variant has not been reported in the literature in individuals affected with PTCH2-related conditions. ClinVar contains an entry for this variant (Variation ID: 453937). Invitae Evidence Modeling of protein sequence and biophysical properties (such as structural, functional, and spatial information, amino acid conservation, physicochemical variation, residue mobility, and thermodynamic stability) indicates that this missense variant is not expected to disrupt PTCH2 protein function with a negative predictive value of 80%. In summary, the available evidence is currently insufficient to determine the role of this variant in disease. Therefore, it has been classified as a Variant of Uncertain Significance.

St. Jude Molecular Pathology, St. Jude Children's Research Hospital
Classification: Uncertain significance for Basal cell nevus syndrome 1. Last evaluated: 2024-05-15. Review status: criteria provided, single submitter. Criteria: St. Jude Assertion Criteria 2020. Collection method: clinical testing. Allele origin: germline.
Comment: The PTCH2 c.3269C>T (p.Ala1090Val) missense change has a maximum subpopulation frequency of 0.026% in gnomAD v2.1.1. The in silico tool REVEL predicts a benign effect on protein function, but this prediction has not been confirmed by functional studies. This variant has not been reported in individuals with nevoid basal cell carcinoma syndrome. In summary, the evidence currently available is insufficient to determine the clinical significance of this variant. It has therefore been classified as of uncertain significance.

Baylor Genetics
Classification: Uncertain significance for Basal cell carcinoma, susceptibility to, 1. Last evaluated: 2023-06-23. Review status: criteria provided, single submitter. Criteria: ACMG Guidelines, 2015. Collection method: clinical testing. Allele origin: unknown.